The following is an entry in ClinVar:

ClinVar aggregate classification (germline): Uncertain significance. Review status: criteria provided, multiple submitters, no conflicts (2 of 4 stars). 2 submissions from 2 submitters: Uncertain significance (2). Last evaluated 2025-07-17.

Conditions:
Hereditary cancer-predisposing syndrome. Also called: Hereditary Cancer Syndrome; Hereditary neoplastic syndrome; Neoplastic Syndromes, Hereditary; Tumor predisposition. Identifiers: Orphanet 140162, MedGen C0027672, MeSH D009386, MONDO:0015356.
Familial adenomatous polyposis 1 (FAP1). Also called: FAMILIAL ADENOMATOUS POLYPOSIS 1, ATTENUATED; POLYPOSIS, ADENOMATOUS INTESTINAL. Identifiers: MedGen C2713442, MONDO:0021056, OMIM 175100. Disease mechanism: loss of function.

Submissions (2):

Labcorp Genetics (formerly Invitae), Labcorp
Classification: Uncertain significance for Familial adenomatous polyposis 1. Last evaluated: 2025-07-17. Review status: criteria provided, single submitter. Criteria: Invitae Variant Classification Sherloc (09022015). Collection method: clinical testing. Allele origin: germline.
Comment: This sequence change replaces lysine, which is basic and polar, with glutamine, which is neutral and polar, at codon 2010 of the APC protein (p.Lys2010Gln). This variant is not present in population databases (gnomAD no frequency). This variant has not been reported in the literature in individuals affected with APC-related conditions. ClinVar contains an entry for this variant (Variation ID: 1751154). Invitae Evidence Modeling of protein sequence and biophysical properties (such as structural, functional, and spatial information, amino acid conservation, physicochemical variation, residue mobility, and thermodynamic stability) indicates that this missense variant is not expected to disrupt APC protein function with a negative predictive value of 95%. In summary, the available evidence is currently insufficient to determine the role of this variant in disease. Therefore, it has been classified as a Variant of Uncertain Significance.

Ambry Genetics
Classification: Uncertain significance for Hereditary cancer-predisposing syndrome. Last evaluated: 2021-11-23. Review status: criteria provided, single submitter. Criteria: Ambry Variant Classification Scheme 2023. Collection method: clinical testing. Allele origin: germline.
Comment: The p.K2010Q variant (also known as c.6028A>C), located in coding exon 15 of the APC gene, results from an A to C substitution at nucleotide position 6028. The lysine at codon 2010 is replaced by glutamine, an amino acid with similar properties. This amino acid position is well conserved in available vertebrate species. In addition, in silico predictors for this gene do not accurately predict pathogenicity. Since supporting evidence is limited at this time, the clinical significance of this alteration remains unclear.

NM_000038.6(APC):c.6028A>C (p.Lys2010Gln)

Gene: APC (APC regulator of Wnt signaling pathway; plus strand). Cytogenetic location: 5q22.2.
Variant type: single nucleotide variant.
Coding change: c.6028A>C on transcript NM_000038.6 (MANE Select); coding-DNA position 6028, A replaced by C.
Protein change: p.Lys2010Gln; replaces lysine 2010 with glutamine.
Molecular consequence: missense variant.
Genome position (GRCh38, 1-based): chr5:112,841,622, A>C. VCF-style: chr5-112841622-A-C. GRCh37 (hg19) VCF-style: chr5-112177319-A-C.
Other names: c.6028A>C, p.Lys2010Gln (NM_001127510.3, NM_001354895.2, NM_001407450.1); c.5974A>C, p.Lys1992Gln (NM_001127511.3); c.6082A>C, p.Lys2028Gln (NM_001354896.2, NM_001407447.1, NM_001407448.1 and 1 more transcripts); c.6058A>C, p.Lys2020Gln (NM_001354897.2); c.5953A>C, p.Lys1985Gln (NM_001354898.2); c.5944A>C, p.Lys1982Gln (NM_001354899.2); c.5905A>C, p.Lys1969Gln (NM_001354900.2); c.5851A>C, p.Lys1951Gln (NM_001354901.2, NM_001407453.1); and 11 more; short protein forms K1727Q, K1919Q, K1969Q, K1982Q, K1992Q, K2010Q, K2028Q, K2038Q.
Identifiers: ClinVar variation 1751154 (VCV001751154.5), dbSNP rs767781213, ClinGen allele CA16034519.